The following is an entry in ClinVar:

ClinVar aggregate classification (germline): Uncertain significance (1 of 4 stars; one submission).

gnomAD v4.1: 26 of 1,614,098 alleles (0.0016%); highest among the groups gnomAD compares: Middle Eastern, 0.016%; no homozygotes.

Submission:

Labcorp Genetics (formerly Invitae), Labcorp
Classification: Uncertain significance. Last evaluated: 2025-07-02. Review status: criteria provided, single submitter. Criteria: Invitae Variant Classification Sherloc (09022015). Collection method: clinical testing. Allele origin: germline.
Comment: This sequence change replaces glycine, which is neutral and non-polar, with alanine, which is neutral and non-polar, at codon 405 of the MBTPS1 protein (p.Gly405Ala). This variant is present in population databases (rs751912633, gnomAD 0.007%). This variant has not been reported in the literature in individuals affected with MBTPS1-related conditions. ClinVar contains an entry for this variant (Variation ID: 3714409). An algorithm developed to predict the effect of missense changes on protein structure and function (PolyPhen-2) suggests that this variant is likely to be tolerated. In summary, the available evidence is currently insufficient to determine the role of this variant in disease. Therefore, it has been classified as a Variant of Uncertain Significance.

NM_003791.4(MBTPS1):c.1214G>C (p.Gly405Ala)

Gene: MBTPS1 (membrane bound transcription factor peptidase, site 1; minus strand). Cytogenetic location: 16q23.3.
Variant type: single nucleotide variant.
Coding change: c.1214G>C on transcript NM_003791.4 (MANE Select); coding-DNA position 1214, G replaced by C.
Protein change: p.Gly405Ala; replaces glycine 405 with alanine.
Molecular consequence: missense variant.
Genome position (GRCh38, 1-based): chr16:84,085,055, C>G on the plus strand (G>C on the coding strand, the complement: MBTPS1 is on the minus strand). VCF-style: chr16-84085055-C-G. GRCh37 (hg19) VCF-style: chr16-84118660-C-G.
Other names: short protein forms G405A.
Identifiers: ClinVar variation 3714409 (VCV003714409.2).